The following is an entry in ClinVar:

NM_133510.4(RAD51B):c.594A>C (p.Glu198Asp)

Gene: RAD51B (RAD51 paralog B; plus strand). Cytogenetic location: 14q24.1.
Variant type: single nucleotide variant.
Coding change: c.594A>C on transcript NM_133510.4 (MANE Select); coding-DNA position 594, A replaced by C.
Protein change: p.Glu198Asp; replaces glutamic acid 198 with aspartic acid.
Molecular consequence: missense variant.
Genome position (GRCh38, 1-based): chr14:67,887,042, A>C. VCF-style: chr14-67887042-A-C. GRCh37 (hg19) VCF-style: chr14-68353759-A-C.
Other names: c.594A>C, p.Glu198Asp (NM_001321809.2, NM_001321810.2, NM_001321812.1 and 6 more transcripts); c.480A>C, p.Glu160Asp (NM_001321815.1); c.237A>C, p.Glu79Asp (NM_001321817.2); short protein forms E198D, E160D, E79D.
Identifiers: ClinVar variation 3942319 (VCV003942319.1).

ClinVar aggregate classification (germline): Uncertain significance (1 of 4 stars; one submission).

gnomAD v4.1: 1 of 1,521,224 alleles (0.000066%); highest among the groups gnomAD compares: African/African-American, 0.0014%; no homozygotes.

Submission:

Ambry Genetics
Classification: Uncertain significance. Last evaluated: 2025-05-17. Review status: criteria provided, single submitter. Criteria: Ambry Variant Classification Scheme 2023. Collection method: clinical testing. Allele origin: germline.
Comment: The p.E198D variant (also known as c.594A>C), located in coding exon 6 of the RAD51B gene, results from an A to C substitution at nucleotide position 594. The glutamic acid at codon 198 is replaced by aspartic acid, an amino acid with highly similar properties. This amino acid position is conserved. In addition, this alteration is predicted to be tolerated by in silico analysis. Based on the available evidence, the clinical significance of this variant remains unclear.